The following is an entry in ClinVar:

NM_003970.4(MYOM2):c.1568G>A (p.Ser523Asn)

Gene: MYOM2 (myomesin 2; plus strand). Cytogenetic location: 8p23.3.
Variant type: single nucleotide variant.
Coding change: c.1568G>A on transcript NM_003970.4 (MANE Select); coding-DNA position 1568, G replaced by A.
Protein change: p.Ser523Asn; replaces serine 523 with asparagine.
Molecular consequence: missense variant.
Genome position (GRCh38, 1-based): chr8:2,085,314, G>A. VCF-style: chr8-2085314-G-A. GRCh37 (hg19) VCF-style: chr8-2033446-G-A.
Other names: short protein forms S523N.
Identifiers: ClinVar variation 3057073 (VCV003057073.2), dbSNP rs75318724, ClinGen allele CA170452950.

ClinVar aggregate classification (germline): Benign (0 of 4 stars; one submission).

Conditions:
MYOM2-related disorder. Also called: MYOM2-related condition.

Allele frequency attached by ClinVar (database versions not stated): TOPMed 0.01977; ESP Exome Variant Server 0.01999; gnomAD 0.02221; 1000 Genomes Project 30x 0.02498; 1000 Genomes Project 0.02636; ExAC 0.02910; gnomAD exomes 0.02965.
gnomAD v4.1: 46,536 of 1,614,114 alleles (2.9%); highest among the groups gnomAD compares: South Asian, 5.7%; 873 homozygotes.

Submission:

PreventionGenetics, part of Exact Sciences
Classification: Benign for MYOM2-related condition. Last evaluated: 2019-09-30. Review status: no assertion criteria provided. Collection method: clinical testing. Allele origin: germline.
Comment: This variant is classified as benign based on ACMG/AMP sequence variant interpretation guidelines (Richards et al. 2015 PMID: 25741868, with internal and published modifications).